The following is an entry in ClinVar:

NM_000152.5(GAA):c.1132T>C (p.Tyr378His)

Gene: GAA (alpha glucosidase; plus strand). Cytogenetic location: 17q25.3.
Variant type: single nucleotide variant.
Coding change: c.1132T>C on transcript NM_000152.5 (MANE Select); coding-DNA position 1132, T replaced by C.
Protein change: p.Tyr378His; replaces tyrosine 378 with histidine.
Molecular consequence: missense variant.
Genome position (GRCh38, 1-based): chr17:80,108,545, T>C. VCF-style: chr17-80108545-T-C. GRCh37 (hg19) VCF-style: chr17-78082344-T-C.
Other names: c.1132T>C, p.Tyr378His (NM_001079803.3, NM_001079804.3, NM_001406741.1 and 1 more transcripts); short protein forms Y378H.
Identifiers: ClinVar variation 5036717 (VCV005036717.1).

ClinVar aggregate classification (germline): Likely pathogenic (1 of 4 stars; one submission).

Conditions:
Glycogen storage disease due to acid maltase deficiency, late-onset (LOPD). Also called: POMPE DISEASE, LATE-ONSET; GLYCOGEN STORAGE DISEASE II, LATE-ONSET; ACID ALPHA-GLUCOSIDASE DEFICIENCY, LATE-ONSET; GAA DEFICIENCY, LATE-ONSET; ACID MALTASE DEFICIENCY, LATE-ONSET; AMD, LATE-ONSET. Identifiers: Orphanet 420429, MedGen C0342753, MONDO:0018485, OMIM 621314.

gnomAD v4.1: 1 of 1,612,918 alleles (0.000062%); highest among the groups gnomAD compares: Non-Finnish European, 0.000085%; no homozygotes.

Submission:

Department of Pathophysiology and Transplantation,  Dino Ferrari Center, University of Milan
Classification: Likely pathogenic for Glycogen storage disease due to acid maltase deficiency, late-onset. Last evaluated: 2026-10-10. Review status: criteria provided, single submitter. Criteria: ACMG Guidelines, 2015. Collection method: research. Allele origin: germline. Observed: 1 variant allele.
Comment: This missense variant (PP2) displays a low frequency in gnomAD population databases (PM2). The variant lies within a domain where several GAA pathogenic variants have been reported (PM1). The variant (heterozygous) has been found in a subject recruited in the UKB genomic dataset (PMID: 30305743). Prediction algorithms support the pathogenetic role of the variant (CADD 29.9; PEVEL: 0.919, PP3_strong).The same subject also harbours the (heterozygous) variant c.265C>T, p.(Arg89Cys). No information is available about the clinical features of this subject or regarding the phase of the two variants.

Literature cited by the submitters: PubMed 30305743.